The following is an entry in ClinVar:

ClinVar aggregate classification (germline): Uncertain significance (1 of 4 stars; one submission).

Conditions:
PCDH15-related disorder. Also called: PCDH15-related disorders; PCDH15-related condition.

Submission:

PreventionGenetics, part of Exact Sciences
Classification: Uncertain significance for PCDH15-related condition. Last evaluated: 2023-02-09. Review status: criteria provided, single submitter. Criteria: ACMG Guidelines, 2015. Collection method: clinical testing. Allele origin: germline.
Comment: The PCDH15 c.4633A>G variant is predicted to result in the amino acid substitution p.Arg1545Gly. To our knowledge, this variant has not been reported in the literature or in a large population database, indicating this variant is rare. At this time, the clinical significance of this variant is uncertain due to the absence of conclusive functional and genetic evidence.

NM_033056.4(PCDH15):c.4633A>G (p.Arg1545Gly)

Gene: PCDH15 (protocadherin related 15; minus strand). Cytogenetic location: 10q21.1.
Variant type: single nucleotide variant.
Coding change: c.4633A>G on transcript NM_033056.4 (MANE Plus Clinical); coding-DNA position 4633, A replaced by G.
Protein change: p.Arg1545Gly; replaces arginine 1545 with glycine.
Molecular consequence: missense variant. On other transcripts: intron variant (8).
Genome position (GRCh38, 1-based): chr10:53,823,093, T>C on the plus strand (A>G on the coding strand, the complement: PCDH15 is on the minus strand). VCF-style: chr10-53823093-T-C. GRCh37 (hg19) VCF-style: chr10-55582853-T-C.
Other names: c.4654A>G, p.Arg1552Gly (NM_001142763.2); c.4639A>G, p.Arg1547Gly (NM_001142764.2); c.4426A>G, p.Arg1476Gly (NM_001142765.2); c.4624A>G, p.Arg1542Gly (NM_001142766.2); c.4513A>G, p.Arg1505Gly (NM_001142767.2); c.4573A>G, p.Arg1525Gly (NM_001142768.2); c.4564A>G, p.Arg1522Gly (NM_001142773.2); c.4567A>G, p.Arg1523Gly (NM_001354404.2); and 6 more; short protein forms R1476G, R1505G, R1522G, R1523G, R1525G, R1542G, R1545G, R1547G.
Identifiers: ClinVar variation 2630393 (VCV002630393.1), dbSNP rs1316377776, ClinGen allele CA376526906.